The following is an entry in ClinVar:

ClinVar aggregate classification (germline): Benign/Likely benign. Review status: criteria provided, multiple submitters, no conflicts (2 of 4 stars). 10 submissions from 10 submitters: Benign (5); Likely benign (2). 3 of the submissions do not count toward it. Last evaluated 2026-02-04.

Conditions:
Donnai-Barrow syndrome. Also called: FACIOOCULOACOUSTICORENAL SYNDROME; DBS/FOAR SYNDROME. Identifiers: Orphanet 2143, MedGen C1857277, MONDO:0009104, OMIM 222448.

Allele frequency attached by ClinVar (database versions not stated): ESP Exome Variant Server 0.00062; gnomAD 0.00280; ExAC 0.00297; TOPMed 0.00308; 1000 Genomes Project 30x 0.00703; 1000 Genomes Project 0.00739.
gnomAD v4.1: 2,113 of 1,612,364 alleles (0.13%); highest among the groups gnomAD compares: East Asian, 3.5%; 32 homozygotes.

Submissions (10):

Labcorp Genetics (formerly Invitae), Labcorp
Classification: Benign. Last evaluated: 2026-02-04. Review status: criteria provided, single submitter. Criteria: Invitae Variant Classification Sherloc (09022015). Collection method: clinical testing. Allele origin: germline.

CeGaT Center for Human Genetics Tuebingen
Classification: Benign. Last evaluated: 2022-06-01. Review status: criteria provided, single submitter. Criteria: CeGaT Center For Human Genetics Tuebingen Variant Classification Criteria Version 2. Collection method: clinical testing. Allele origin: germline. Affected: yes. Observed: 1 variant allele.
Comment: LRP2: BP4, BS1, BS2

Women's Health and Genetics/Laboratory Corporation of America, LabCorp
Classification: Likely benign. Last evaluated: 2022-05-03. Review status: criteria provided, single submitter. Criteria: LabCorp Variant Classification Summary - May 2015. Collection method: clinical testing. Allele origin: germline.

Fulgent Genetics
Classification: Likely benign for Donnai-Barrow syndrome. Last evaluated: 2021-09-28. Review status: criteria provided, single submitter. Criteria: ACMG Guidelines, 2015. Collection method: clinical testing. Allele origin: unknown.

Genome-Nilou Lab
Classification: Benign for Donnai-Barrow syndrome. Last evaluated: 2021-07-15. Review status: criteria provided, single submitter. Criteria: ACMG Guidelines, 2015. Collection method: clinical testing. Allele origin: germline. Affected: no.

Illumina Laboratory Services, Illumina
Classification: Benign for Donnai-Barrow syndrome. Last evaluated: 2018-01-13. Review status: criteria provided, single submitter. Criteria: ICSL Variant Classification Criteria 13 December 2019. Collection method: clinical testing. Allele origin: germline.
Comment: This variant was observed in the ICSL laboratory as part of a predisposition screen in an ostensibly healthy population. It had not been previously curated by ICSL or reported in the Human Gene Mutation Database (HGMD: prior to June 1st, 2018), and was therefore a candidate for classification through an automated scoring system. Utilizing variant allele frequency, disease prevalence and penetrance estimates, and inheritance mode, an automated score was calculated to assess if this variant is too frequent to cause the disease. Based on the score and internal cut-off values, a variant classified as benign is not then subjected to further curation. The score for this variant resulted in a classification of benign for this disease.

Genomic Diagnostic Laboratory, Division of Genomic Diagnostics, Children's Hospital of Philadelphia
Classification: Benign. Last evaluated: 2015-05-14. Review status: criteria provided, single submitter. Criteria: DGD Variant Analysis Guidelines. Collection method: clinical testing. Allele origin: unknown.

Clinical Genetics DNA and cytogenetics Diagnostics Lab, Erasmus MC, Erasmus Medical Center
Classification: Benign. Review status: no assertion criteria provided. Collection method: clinical testing. Allele origin: germline. Affected: yes. Study: VKGL Data-share Consensus. Not counted in ClinVar's aggregate classification.

Diagnostic Laboratory, Department of Genetics, University Medical Center Groningen
Classification: Likely benign for Donnai-Barrow syndrome. Review status: no assertion criteria provided. Collection method: clinical testing. Allele origin: germline. Affected: yes. Study: VKGL Data-share Consensus. Not counted in ClinVar's aggregate classification.

Genetic Services Laboratory, University of Chicago
Classification: Likely benign for AllHighlyPenetrant. Review status: no assertion criteria provided. Collection method: clinical testing. Allele origin: germline. Inheritance: Autosomal recessive inheritance. Not counted in ClinVar's aggregate classification.
Comment: Likely benign based on allele frequency in 1000 Genomes Project or ESP global frequency and its presence in a patient with a rare or unrelated disease phenotype. NOT Sanger confirmed.

NM_004525.3(LRP2):c.92C>T (p.Ala31Val)

Gene: LRP2 (LDL receptor related protein 2; minus strand). Cytogenetic location: 2q31.1.
Variant type: single nucleotide variant.
Coding change: c.92C>T on transcript NM_004525.3 (MANE Select); coding-DNA position 92, C replaced by T.
Protein change: p.Ala31Val; replaces alanine 31 with valine.
Molecular consequence: missense variant.
Genome position (GRCh38, 1-based): chr2:169,320,872, G>A on the plus strand (C>T on the coding strand, the complement: LRP2 is on the minus strand). VCF-style: chr2-169320872-G-A. GRCh37 (hg19) VCF-style: chr2-170177382-G-A.
Other names: short protein forms A31V.
Identifiers: ClinVar variation 129546 (VCV000129546.55), dbSNP rs144829356, ClinGen allele CA248700.
Genomic context (GRCh38, chr2:169,320,872, plus strand): 5'-TTGGTCCCATCACACCTCCAGTCTGCAGGGATGCAATGCCCACTTCCACAGCGAAAATGC[G>A]CACTGTCACATTCTGCAATAATAGACAGAAATTTTAAAAACTTATGCCATGCAGATATTT-3'
Protein context (NP_004516.2, residues 21-41): APASGQECDS[Ala31Val]HFRCGSGHCI